The following is an entry in ClinVar:

NM_000045.4(ARG1):c.7G>C (p.Ala3Pro)

Gene: ARG1 (arginase 1; plus strand). Cytogenetic location: 6q23.2.
Variant type: single nucleotide variant.
Coding change: c.7G>C on transcript NM_000045.4 (MANE Select); coding-DNA position 7, G replaced by C.
Protein change: p.Ala3Pro; replaces alanine 3 with proline.
Molecular consequence: missense variant. On other transcripts: non-coding transcript variant (1).
Genome position (GRCh38, 1-based): chr6:131,573,289, G>C. VCF-style: chr6-131573289-G-C. GRCh37 (hg19) VCF-style: chr6-131894429-G-C.
Other names: c.7G>C, p.Ala3Pro (NM_001244438.2, NM_001369020.1); c.7G>C (NM_000045.2); short protein forms A3P.
Identifiers: ClinVar variation 1042824 (VCV001042824.4), dbSNP rs558377642, ClinGen allele CA3999112.

ClinVar aggregate classification (germline): Uncertain significance. Review status: criteria provided, multiple submitters, no conflicts (2 of 4 stars). 2 submissions from 2 submitters: Uncertain significance (2). Last evaluated 2022-10-24.

Conditions:
Arginase deficiency. Also called: Arginase 1 Deficiency; ARGININEMIA; ARG1 DEFICIENCY. Identifiers: Orphanet 90, MedGen C0268548, MONDO:0008814, OMIM 207800.

Allele frequency attached by ClinVar (database versions not stated): TOPMed 0.00006; 1000 Genomes Project 30x 0.00016; 1000 Genomes Project 0.00020.
gnomAD v4.1: 13 of 1,613,978 alleles (0.00081%); highest among the groups gnomAD compares: African/African-American, 0.016%; no homozygotes.

Submissions (2):

Labcorp Genetics (formerly Invitae), Labcorp
Classification: Uncertain significance for Arginase deficiency. Last evaluated: 2022-10-24. Review status: criteria provided, single submitter. Criteria: Invitae Variant Classification Sherloc (09022015). Collection method: clinical testing. Allele origin: germline.
Comment: This sequence change replaces alanine, which is neutral and non-polar, with proline, which is neutral and non-polar, at codon 3 of the ARG1 protein (p.Ala3Pro). This variant is present in population databases (rs558377642, gnomAD 0.02%). This variant has not been reported in the literature in individuals affected with ARG1-related conditions. ClinVar contains an entry for this variant (Variation ID: 1042824). Algorithms developed to predict the effect of missense changes on protein structure and function (SIFT, PolyPhen-2, Align-GVGD) all suggest that this variant is likely to be tolerated. In summary, the available evidence is currently insufficient to determine the role of this variant in disease. Therefore, it has been classified as a Variant of Uncertain Significance.

GeneDx
Classification: Uncertain significance. Last evaluated: 2022-08-19. Review status: criteria provided, single submitter. Criteria: GeneDx Variant Classification Process June 2021. Collection method: clinical testing. Allele origin: germline. Affected: yes.
Comment: In silico analysis supports that this missense variant does not alter protein structure/function; Has not been previously published as pathogenic or benign to our knowledge